The following is an entry in ClinVar:

NM_000506.4(F2):c.*108C>T

Gene: F2 (coagulation factor II, thrombin; plus strand). Cytogenetic location: 11p11.2.
Variant type: single nucleotide variant.
Coding change: c.*108C>T on transcript NM_000506.4; 108 bases downstream of the stop codon, C replaced by T.
Genome position (GRCh38, 1-based): chr11:46,739,516, C>T. VCF-style: chr11-46739516-C-T. GRCh37 (hg19) VCF-style: chr11-46761066-C-T.
Identifiers: ClinVar variation 2581486 (VCV002581486.1), dbSNP rs562369397, ClinGen allele CA221622739.

ClinVar aggregate classification (germline): Uncertain significance (1 of 4 stars; one submission).

Allele frequency attached by ClinVar (database versions not stated): gnomAD 0.00001; 1000 Genomes Project 30x 0.00016; 1000 Genomes Project 0.00020; TOPMed below 0.00001.

Submission:

Women's Health and Genetics/Laboratory Corporation of America, LabCorp
Classification: Uncertain significance. Last evaluated: 2023-08-04. Review status: criteria provided, single submitter. Criteria: LabCorp Variant Classification Summary - May 2015. Collection method: clinical testing. Allele origin: germline.
Comment: Variant summary: F2 c.*108C>T (also known as c.20221C>T or C20221T) alters a non-conserved nucleotide located in the untranslated mRNA region downstream of the termination codon. The variant allele was found at a frequency of 6.6e-06 in 150996 control chromosomes (i.e., 1 heterozygote; gnomAD v3). The available data on variant occurrences in the general population are insufficient to allow any conclusion about variant significance. c.*108C>T has been reported in the literature in at least 3 heterozygous individuals affected with features of Thrombophilia such as Thromboembolic risk, Budd-Chari syndrome coupled with thrombocytosis and/or deep venous leg thrombosis (DVT) (e.g., Wylenzek_2001, Balim_2003, Schrijver_2003). A prolongation of the Prothrombin Time (PT) was reported in at-least two of these three ascertained cases. Additionally, some of these cases reported additional heterozygous family members whose clinical history or presentation was not specified. These data indicate that the variant may be associated with disease. At least one publication reports experimental evidence evaluating an impact on protein function and demonstrated that the variant is a gain-of-function mutation, resulting in increased 3' end processing, mRNA expression, and increased protein synthesis (Danckwardt_2004). The following publications have been ascertained in the context of this evaluation (PMID: 11372696, 12218454, 12871427, 14573785, 15059842). No submitters have cited clinical-significance assessments for this variant to ClinVar after 2014. Based on the evidence outlined above, the variant was classified as VUS-possibly pathogenic.

Literature cited by the submitters: PubMed 12871427; PubMed 15059842; PubMed 14573785; PubMed 12218454; PubMed 11372696.